The following is an entry in ClinVar:

NM_001080453.3(INTS1):c.4901C>G (p.Pro1634Arg)

Gene: INTS1 (integrator complex subunit 1; minus strand). Cytogenetic location: 7p22.3.
Variant type: single nucleotide variant.
Coding change: c.4901C>G on transcript NM_001080453.3 (MANE Select); coding-DNA position 4901, C replaced by G.
Protein change: p.Pro1634Arg; replaces proline 1634 with arginine.
Molecular consequence: missense variant.
Genome position (GRCh38, 1-based): chr7:1,477,587, G>C on the plus strand (C>G on the coding strand, the complement: INTS1 is on the minus strand). VCF-style: chr7-1477587-G-C. GRCh37 (hg19) VCF-style: chr7-1517223-G-C.
Other names: short protein forms P1634R.
Identifiers: ClinVar variation 985046 (VCV000985046.5), dbSNP rs1781782339, ClinGen allele CA366584693.

ClinVar aggregate classification (germline): Uncertain significance (1 of 4 stars; one submission).

Conditions:
Inborn genetic diseases. Identifiers: MedGen C0950123, MeSH D030342.

Submission:

Ambry Genetics
Classification: Uncertain significance for Inborn genetic diseases. Last evaluated: 2020-03-23. Review status: criteria provided, single submitter. Criteria: Ambry Variant Classification Scheme 2023. Collection method: clinical testing. Allele origin: germline.
Comment: The c.4901C>G (p.P1634R) alteration is located in exon 35 (coding exon 34) of the INTS1 gene. This alteration results from a C to G substitution at nucleotide position 4901, causing the proline (P) at amino acid position 1634 to be replaced by an arginine (R). This variant was not reported in population-based cohorts in the Genome Aggregation Database (gnomAD). This amino acid position is well conserved in available vertebrate species. This alteration is predicted to be tolerated by in silico analysis. Based on insufficient or conflicting evidence, the clinical significance of this alteration remains unclear.